The following is an entry in ClinVar:

ClinVar aggregate classification (germline): Uncertain significance (1 of 4 stars; one submission).

Conditions:
Naxos disease (NXD). Also called: KERATOSIS PALMOPLANTARIS WITH ARRHYTHMOGENIC CARDIOMYOPATHY; MAL DE NAXOS; PALMOPLANTAR KERATODERMA WITH ARRHYTHMOGENIC RIGHT VENTRICULAR CARDIOMYOPATHY AND WOOLLY HAIR; WOOLLY HAIR, PALMOPLANTAR KERATODERMA, AND CARDIAC ABNORMALITIES; CARDIOMYOPATHY, ARRHYTHMOGENIC RIGHT VENTRICULAR, WITH SKIN, HAIR, AND NAIL ABNORMALITIES. Identifiers: Orphanet 34217, MedGen C1832600, MONDO:0011017, OMIM 601214.
Arrhythmogenic right ventricular dysplasia 12. Also called: ARRHYTHMOGENIC RIGHT VENTRICULAR DYSPLASIA, FAMILIAL, 12. Identifiers: MedGen C1969081, MONDO:0012684, OMIM 611528.

Submission:

Labcorp Genetics (formerly Invitae), Labcorp
Classification: Uncertain significance for Arrhythmogenic right ventricular dysplasia 12; Naxos disease. Last evaluated: 2024-05-15. Review status: criteria provided, single submitter. Criteria: Invitae Variant Classification Sherloc (09022015). Collection method: clinical testing. Allele origin: germline.
Comment: This variant, c.1843_1845del, results in the deletion of 1 amino acid(s) of the JUP protein (p.Lys615del), but otherwise preserves the integrity of the reading frame. This variant is not present in population databases (gnomAD no frequency). This variant has not been reported in the literature in individuals affected with JUP-related conditions. Experimental studies and prediction algorithms are not available or were not evaluated, and the functional significance of this variant is currently unknown. In summary, the available evidence is currently insufficient to determine the role of this variant in disease. Therefore, it has been classified as a Variant of Uncertain Significance.

NM_002230.4(JUP):c.1843_1845del (p.Lys615del)

Gene: JUP (junction plakoglobin; minus strand). Cytogenetic location: 17q21.2.
Variant type: Deletion.
Coding change: c.1843_1845del on transcript NM_002230.4 (MANE Select); coding-DNA positions 1843 to 1845, 3 bases deleted (AAG; older notation c.1843_1845delAAG).
Protein change: p.Lys615del; deletes lysine 615.
Molecular consequence: inframe deletion.
Genome position (GRCh38, 1-based): chr17:41,757,713-41,757,715, CTT deleted on the plus strand (AAG on the coding strand, the reverse complement: JUP is on the minus strand). VCF-style (leftmost placement, unchanged base first): chr17-41757712-CCTT-C. GRCh37 (hg19) VCF-style: chr17-39913964-CCTT-C.
Other names: c.1843_1845del, p.Lys615del (NM_001352773.2, NM_001352774.2, NM_001352775.2 and 3 more transcripts); short protein forms K615del.
Identifiers: ClinVar variation 3756364 (VCV003756364.2).